The following is an entry in ClinVar:

NM_022124.6(CDH23):c.8344G>A (p.Asp2782Asn)

Gene: CDH23 (cadherin related 23; plus strand). Cytogenetic location: 10q22.1.
Variant type: single nucleotide variant.
Coding change: c.8344G>A on transcript NM_022124.6 (MANE Select); coding-DNA position 8344, G replaced by A.
Protein change: p.Asp2782Asn; replaces aspartic acid 2782 with asparagine.
Molecular consequence: missense variant.
Genome position (GRCh38, 1-based): chr10:71,807,551, G>A. VCF-style: chr10-71807551-G-A. GRCh37 (hg19) VCF-style: chr10-73567308-G-A.
Other names: c.1624G>A, p.Asp542Asn (NM_001171933.1, NM_001171934.1); short protein forms D2782N, D542N.
Identifiers: ClinVar variation 990952 (VCV000990952.13), dbSNP rs202147495, ClinGen allele CA5546629.
Genomic context (GRCh38, chr10:71,807,551, plus strand): 5'-CCCTGTGCCATGATCCCACCCTCAGCCGGCAACGAAGAGAAGAACTTCCATCTGCAGCCC[G>A]ATGGGTGTCTGCTGGTGCTGCGGGACCTGGACCGGGAGCGAGAAGCCATCTTCTCCTTCA-3'
Protein context (NP_071407.4, residues 2772-2792): NEEKNFHLQP[Asp2782Asn]GCLLVLRDLD

ClinVar aggregate classification (germline): Conflicting classifications of pathogenicity. Review status: criteria provided, conflicting classifications (1 of 4 stars). 7 submissions from 7 submitters: Uncertain significance (3); Likely benign (3). 1 of the submissions does not count toward it. Last evaluated 2025-05-05.

Conditions:
Inborn genetic diseases. Identifiers: MedGen C0950123, MeSH D030342.
CDH23-related disorder. Also called: CDH23-related disorders; CDH23-related condition.
Usher syndrome type 1 (USH1). Also called: RETINITIS PIGMENTOSA AND CONGENITAL DEAFNESS. Identifiers: Orphanet 231169, Orphanet 886, MedGen C1568247, MONDO:0010168, OMIM 276900.
Pituitary adenoma 5, multiple types. Identifiers: MedGen C4539685, MONDO:0054601, OMIM 617540.
Usher syndrome type 1D (USH1D). Also called: USHER SYNDROME, TYPE ID. Identifiers: Orphanet 231169, Orphanet 886, MedGen C1832845, MONDO:0010984, OMIM 601067.
Autosomal recessive nonsyndromic hearing loss 12. Also called: DEAFNESS, AUTOSOMAL RECESSIVE 12. Identifiers: Orphanet 90636, MedGen C1832394, MONDO:0011067, OMIM 601386.

Allele frequency attached by ClinVar (database versions not stated): gnomAD 0.00005 and 0.00006; TOPMed 0.00006; ESP Exome Variant Server 0.00008; ExAC 0.00012.
gnomAD v4.1: 80 of 1,613,824 alleles (0.005%); highest among the groups gnomAD compares: East Asian, 0.011%; no homozygotes.

Submissions (7):

Labcorp Genetics (formerly Invitae), Labcorp
Classification: Likely benign. Last evaluated: 2025-05-05. Review status: criteria provided, single submitter. Criteria: Invitae Variant Classification Sherloc (09022015). Collection method: clinical testing. Allele origin: germline.

PreventionGenetics, part of Exact Sciences
Classification: Likely benign for CDH23-related condition. Last evaluated: 2024-11-20. Review status: criteria provided, single submitter. Criteria: ACMG Guidelines, 2015. Collection method: clinical testing. Allele origin: germline.
Comment: This variant is classified as likely benign based on ACMG/AMP sequence variant interpretation guidelines (Richards et al. 2015 PMID: 25741868, with internal and published modifications).

Blueprint Genetics
Classification: Likely benign. Last evaluated: 2024-03-04. Review status: criteria provided, single submitter. Criteria: ACMG Guidelines, 2015. Collection method: clinical testing. Allele origin: germline.

Ambry Genetics
Classification: Uncertain significance for Inborn genetic diseases. Last evaluated: 2023-10-05. Review status: criteria provided, single submitter. Criteria: Ambry Variant Classification Scheme 2023. Collection method: clinical testing. Allele origin: germline.

Fulgent Genetics
Classification: Uncertain significance for Usher syndrome type 1D; Autosomal recessive nonsyndromic hearing loss 12; Pituitary adenoma 5, multiple types. Last evaluated: 2021-07-22. Review status: criteria provided, single submitter. Criteria: ACMG Guidelines, 2015. Collection method: clinical testing. Allele origin: unknown.

GeneDx
Classification: Uncertain significance. Last evaluated: 2021-04-01. Review status: criteria provided, single submitter. Criteria: GeneDx Variant Classification Process June 2021. Collection method: clinical testing. Allele origin: germline. Affected: yes.
Comment: In silico analysis supports that this missense variant does not alter protein structure/function; Has not been previously published as pathogenic or benign to our knowledge

Natera, Inc.
Classification: Uncertain significance for Usher syndrome type 1. Last evaluated: 2020-04-17. Review status: no assertion criteria provided. Collection method: clinical testing. Allele origin: germline. Not counted in ClinVar's aggregate classification.